The following is an entry in ClinVar:

ClinVar aggregate classification (germline): Likely pathogenic (1 of 4 stars; one submission).

Conditions:
X-linked agammaglobulinemia with growth hormone deficiency (IGHD3). Also called: FLEISHER SYNDROME; HYPOGAMMAGLOBULINEMIA AND ISOLATED GROWTH HORMONE DEFICIENCY, X-LINKED; IGHD III; ISOLATED GROWTH HORMONE DEFICIENCY, TYPE III, WITH AGAMMAGLOBULINEMIA; AGAMMAGLOBULINEMIA AND ISOLATED GROWTH HORMONE DEFICIENCY, X-LINKED; Isolated growth hormone deficiency type 3. Identifiers: Orphanet 231692, Orphanet 631, MedGen C0472813, MONDO:0010615, OMIM 307200.

Submission:

Labcorp Genetics (formerly Invitae), Labcorp
Classification: Likely pathogenic for X-linked agammaglobulinemia with growth hormone deficiency. Last evaluated: 2021-10-10. Review status: criteria provided, single submitter. Criteria: Invitae Variant Classification Sherloc (09022015). Collection method: clinical testing. Allele origin: germline.
Comment: In summary, the currently available evidence indicates that the variant is pathogenic, but additional data are needed to prove that conclusively. Therefore, this variant has been classified as Likely Pathogenic. Studies have shown that this variant results in activation of a cryptic splice site and introduces a premature termination codon (PMID: 24658450). The resulting mRNA is expected to undergo nonsense-mediated decay. This variant is also known as IVS3+109C>A. This variant has been observed in individual(s) with X-linked agammaglobulinemia (PMID: 24658450). The frequency data for this variant in the population databases is considered unreliable, as metrics indicate insufficient coverage at this position in the ExAC database. This sequence change falls in intron 3 of the BTK gene. It does not directly change the encoded amino acid sequence of the BTK protein. RNA analysis indicates that this variant induces altered splicing and may result in an absent or disrupted protein product.

Literature cited by the submitters: PubMed 24658450.

NM_000061.3(BTK):c.240+109C>A

Gene: BTK (Bruton tyrosine kinase; minus strand). Cytogenetic location: Xq22.1.
Variant type: single nucleotide variant.
Coding change: c.240+109C>A on transcript NM_000061.3 (MANE Select); 109 bases into the intron after coding-DNA position 240, C replaced by A.
Molecular consequence: intron variant.
Genome position (GRCh38, 1-based): chrX:101,374,427, G>T on the plus strand (C>A on the coding strand, the complement: BTK is on the minus strand). VCF-style: chrX-101374427-G-T. GRCh37 (hg19) VCF-style: chrX-100629415-G-T.
Other names: c.342+109C>A (NM_001287344.2); c.240+109C>A (NM_001287345.2).
Identifiers: ClinVar variation 1507400 (VCV001507400.6), dbSNP rs2147447393, ClinGen allele CA2573159069.